The following is an entry in ClinVar:

ClinVar aggregate classification (germline): Benign. Review status: criteria provided, multiple submitters, no conflicts (2 of 4 stars). 2 submissions from 2 submitters: Benign (2). Last evaluated 2018-01-12.

Conditions:
Legius syndrome. Identifiers: Orphanet 137605, MedGen C1969623, MONDO:0012669, OMIM 611431. Disease mechanism: loss of function.

Allele frequency attached by ClinVar (database versions not stated): TOPMed 0.76052; 1000 Genomes Project 0.76737; gnomAD 0.77666 and 0.78336.

Submissions (2):

Illumina Laboratory Services, Illumina
Classification: Benign for Legius syndrome. Last evaluated: 2018-01-12. Review status: criteria provided, single submitter. Criteria: ICSL Variant Classification Criteria 13 December 2019. Collection method: clinical testing. Allele origin: germline.
Comment: This variant was observed in the ICSL laboratory as part of a predisposition screen in an ostensibly healthy population. It had not been previously curated by ICSL or reported in the Human Gene Mutation Database (HGMD: prior to June 1st, 2018), and was therefore a candidate for classification through an automated scoring system. Utilizing variant allele frequency, disease prevalence and penetrance estimates, and inheritance mode, an automated score was calculated to assess if this variant is too frequent to cause the disease. Based on the score and internal cut-off values, a variant classified as benign is not then subjected to further curation. The score for this variant resulted in a classification of benign for this disease.

Breakthrough Genomics
Classification: Benign. Review status: criteria provided, single submitter. Criteria: ACMG Guidelines, 2015. Collection method: not provided. Allele origin: germline. Inheritance: Autosomal dominant inheritance. Affected: yes.

NM_152594.3(SPRED1):c.*4662T>A

Gene: SPRED1 (sprouty related EVH1 domain containing 1; plus strand). Cytogenetic location: 15q14.
Variant type: single nucleotide variant.
Coding change: c.*4662T>A on transcript NM_152594.3 (MANE Select); 4662 bases downstream of the stop codon, T replaced by A.
Molecular consequence: 3 prime UTR variant.
Genome position (GRCh38, 1-based): chr15:38,356,326, T>A. VCF-style: chr15-38356326-T-A. GRCh37 (hg19) VCF-style: chr15-38648527-T-A.
Identifiers: ClinVar variation 315780 (VCV000315780.6), dbSNP rs10852019, ClinGen allele CA10635917.